The following is an entry in ClinVar:

ClinVar aggregate classification (germline): Pathogenic. Review status: criteria provided, multiple submitters, no conflicts (2 of 4 stars). 2 submissions from 2 submitters: Pathogenic (2). Last evaluated 2024-01-31.

Conditions:
Ataxia-telangiectasia syndrome (AT). Also called: LOUIS-BAR SYNDROME; Cerebello-oculocutaneous telangiectasia; Immunodeficiency with ataxia telangiectasia; Ataxia telangiectasia (A-T); Ataxia-telangiectasia, complementation group D; AT, COMPLEMENTATION GROUP C. Identifiers: Orphanet 100, MedGen C0004135, MONDO:0008840, OMIM 208900.
Familial cancer of breast. Also called: BREAST CANCER, FAMILIAL; Hereditary breast cancer; hereditary breast carcinoma. Identifiers: Orphanet 227535, MedGen C0346153, MONDO:0016419, OMIM 114480. Disease mechanism: loss of function.

Submissions (2):

Myriad Genetics, Inc.
Classification: Pathogenic for Familial cancer of breast. Last evaluated: 2024-01-31. Review status: criteria provided, single submitter. Criteria: Myriad Autosomal Dominant, Autosomal Recessive and X-Linked Classification Criteria (2023). Collection method: clinical testing. Allele origin: unknown.
Comment: This variant is considered pathogenic. This variant creates a frameshift predicted to result in premature protein truncation.

Labcorp Genetics (formerly Invitae), Labcorp
Classification: Pathogenic for Ataxia-telangiectasia syndrome. Last evaluated: 2022-10-12. Review status: criteria provided, single submitter. Criteria: Invitae Variant Classification Sherloc (09022015). Collection method: clinical testing. Allele origin: germline.
Comment: This sequence change creates a premature translational stop signal (p.Leu2517Serfs*9) in the ATM gene. It is expected to result in an absent or disrupted protein product. Loss-of-function variants in ATM are known to be pathogenic (PMID: 23807571, 25614872). For these reasons, this variant has been classified as Pathogenic. This variant has not been reported in the literature in individuals affected with ATM-related conditions. This variant is not present in population databases (gnomAD no frequency).

Literature cited by the submitters: PubMed 23807571 (cited by Labcorp Genetics (formerly Invitae), Labcorp); PubMed 25614872 (cited by Labcorp Genetics (formerly Invitae), Labcorp).

NM_000051.4(ATM):c.7550_7551del (p.Leu2517fs)

Genes: ATM (ATM serine/threonine kinase; plus strand), C11orf65 (chromosome 11 open reading frame 65; minus strand). Cytogenetic location: 11q22.3.
Variant type: Deletion.
Coding change: c.7550_7551del on transcript NM_000051.4 (MANE Select); coding-DNA positions 7550 to 7551, 2 bases deleted (TG; older notation c.7550_7551delTG).
Protein change: p.Leu2517fs; shifts the reading frame from leucine 2517.
Molecular consequence: frameshift variant. On other transcripts: non-coding transcript variant (1), intron variant (2).
Genome position (GRCh38, 1-based): chr11:108,331,478-108,331,479, TG deleted. VCF-style (leftmost placement, unchanged base first): chr11-108331477-TTG-T. GRCh37 (hg19) VCF-style: chr11-108202204-TTG-T.
Other names: c.7550_7551del, p.Leu2517fs (NM_001351834.2); c.641-22408_641-22407del (NM_001330368.2); c.*38+3741_*38+3742del (NM_001351110.2); short protein forms L2517fs.
Identifiers: ClinVar variation 2808321 (VCV002808321.4), dbSNP rs2547273967, ClinGen allele CA2739265983.